The following is an entry in ClinVar:

ClinVar aggregate classification (germline): Likely benign (0 of 4 stars; one submission).

Conditions:
LRP1-related disorder. Also called: LRP1-related condition.

Allele frequency attached by ClinVar (database versions not stated): gnomAD exomes 0.00001; TOPMed 0.00001; ExAC 0.00002.
gnomAD v4.1: 11 of 1,603,794 alleles (0.00069%); highest among the groups gnomAD compares: African/African-American, 0.0013%; no homozygotes.

Submission:

PreventionGenetics, part of Exact Sciences
Classification: Likely benign for LRP1-related condition. Last evaluated: 2019-06-17. Review status: no assertion criteria provided. Collection method: clinical testing. Allele origin: germline.
Comment: This variant is classified as likely benign based on ACMG/AMP sequence variant interpretation guidelines (Richards et al. 2015 PMID: 25741868, with internal and published modifications).

NM_002332.3(LRP1):c.10595-9C>T

Gene: LRP1 (LDL receptor related protein 1; plus strand). Cytogenetic location: 12q13.3.
Variant type: single nucleotide variant.
Coding change: c.10595-9C>T on transcript NM_002332.3 (MANE Select); 9 bases into the intron before coding-DNA position 10595, C replaced by T.
Molecular consequence: intron variant.
Genome position (GRCh38, 1-based): chr12:57,202,412, C>T. VCF-style: chr12-57202412-C-T. GRCh37 (hg19) VCF-style: chr12-57596195-C-T.
Identifiers: ClinVar variation 3033327 (VCV003033327.2), dbSNP rs763054060, ClinGen allele CA6645024.